The following is an entry in ClinVar:

NM_015295.3(SMCHD1):c.341G>A (p.Arg114Gln)

Gene: SMCHD1 (structural maintenance of chromosomes flexible hinge domain containing 1; plus strand). Cytogenetic location: 18p11.32.
Variant type: single nucleotide variant.
Coding change: c.341G>A on transcript NM_015295.3 (MANE Select); coding-DNA position 341, G replaced by A.
Protein change: p.Arg114Gln; replaces arginine 114 with glutamine.
Molecular consequence: missense variant.
Genome position (GRCh38, 1-based): chr18:2,666,948, G>A. VCF-style: chr18-2666948-G-A. GRCh37 (hg19) VCF-style: chr18-2666947-G-A.
Other names: c.341G>A (NM_015295.2); short protein forms R114Q.
Identifiers: ClinVar variation 2001905 (VCV002001905.5), dbSNP rs2510098175, ClinGen allele CA401687930.

ClinVar aggregate classification (germline): Uncertain significance. Review status: criteria provided, multiple submitters, no conflicts (2 of 4 stars). 2 submissions from 2 submitters: Uncertain significance (2). Last evaluated 2024-02-13.

Conditions:
Inborn genetic diseases. Identifiers: MedGen C0950123, MeSH D030342.
Facioscapulohumeral muscular dystrophy 2 (FSHD2). Also called: MUSCULAR DYSTROPHY, FACIOSCAPULOHUMERAL, TYPE 1B; FACIOSCAPULOHUMERAL MUSCULAR DYSTROPHY 2, DIGENIC; FSHD2, DIGENIC. Identifiers: Orphanet 269, MedGen C1834671, MONDO:0008031, OMIM 158901.

Allele frequency attached by ClinVar (database versions not stated): gnomAD exomes below 0.00001.
gnomAD v4.1: 1 of 1,612,188 alleles (0.000062%); highest among the groups gnomAD compares: South Asian, 0.0011%; no homozygotes.

Submissions (2):

Ambry Genetics
Classification: Uncertain significance for Inborn genetic diseases. Last evaluated: 2024-02-13. Review status: criteria provided, single submitter. Criteria: Ambry Variant Classification Scheme 2023. Collection method: clinical testing. Allele origin: germline.

Labcorp Genetics (formerly Invitae), Labcorp
Classification: Uncertain significance for Facioscapulohumeral muscular dystrophy 2. Last evaluated: 2022-06-02. Review status: criteria provided, single submitter. Criteria: Invitae Variant Classification Sherloc (09022015). Collection method: clinical testing. Allele origin: germline.
Comment: In summary, the available evidence is currently insufficient to determine the role of this variant in disease. Therefore, it has been classified as a Variant of Uncertain Significance. Algorithms developed to predict the effect of missense changes on protein structure and function are either unavailable or do not agree on the potential impact of this missense change (SIFT: "Deleterious"; PolyPhen-2: "Possibly Damaging"; Align-GVGD: "Class C0"). This variant has not been reported in the literature in individuals affected with SMCHD1-related conditions. This variant is not present in population databases (gnomAD no frequency). This sequence change replaces arginine, which is basic and polar, with glutamine, which is neutral and polar, at codon 114 of the SMCHD1 protein (p.Arg114Gln).